The following is an entry in ClinVar:

NM_002291.3(LAMB1):c.4477dup (p.Met1493fs)

Gene: LAMB1 (laminin subunit beta 1; minus strand). Cytogenetic location: 7q31.1.
Variant type: Duplication.
Coding change: c.4477dup on transcript NM_002291.3 (MANE Select); coding-DNA position 4477, one base duplicated (A; older notation c.4477dupA).
Protein change: p.Met1493fs; shifts the reading frame from methionine 1493.
Molecular consequence: frameshift variant.
Genome position (GRCh38, 1-based): chr7:107,931,416, T duplicated on the plus strand (A on the coding strand, the reverse complement: LAMB1 is on the minus strand); the first of 6 consecutive T bases (chr7:107,931,416-107,931,421); duplicating any one gives the same sequence. VCF-style (leftmost placement, unchanged base first): chr7-107931415-A-AT. GRCh37 (hg19) VCF-style: chr7-107571860-A-AT.
Other names: short protein forms M1493fs.
Identifiers: ClinVar variation 2024680 (VCV002024680.4), dbSNP rs766890037, ClinGen allele CA4435022.

ClinVar aggregate classification (germline): Pathogenic (1 of 4 stars; one submission).

Submission:

Labcorp Genetics (formerly Invitae), Labcorp
Classification: Pathogenic. Last evaluated: 2022-08-19. Review status: criteria provided, single submitter. Criteria: Invitae Variant Classification Sherloc (09022015). Collection method: clinical testing. Allele origin: germline.
Comment: This sequence change creates a premature translational stop signal (p.Met1493Asnfs*6) in the LAMB1 gene. It is expected to result in an absent or disrupted protein product. Loss-of-function variants in LAMB1 are known to be pathogenic (PMID: 23472759, 25925986). For these reasons, this variant has been classified as Pathogenic. This variant has not been reported in the literature in individuals affected with LAMB1-related conditions. This variant is present in population databases (rs766890037, gnomAD 0.007%).

Literature cited by the submitters: PubMed 23472759; PubMed 25925986.